The following is an entry in ClinVar:

ClinVar aggregate classification (germline): Conflicting classifications of pathogenicity. Review status: criteria provided, conflicting classifications (1 of 4 stars). 2 submissions from 2 submitters: Uncertain significance (1); Benign (1). Last evaluated 2025-10-01.

Allele frequency attached by ClinVar (database versions not stated): gnomAD 0.00001; gnomAD exomes 0.00001.
gnomAD v4.1: 9 of 1,611,936 alleles (0.00056%); highest among the groups gnomAD compares: East Asian, 0.0022%; no homozygotes.

Submissions (2):

Labcorp Genetics (formerly Invitae), Labcorp
Classification: Uncertain significance. Last evaluated: 2025-10-01. Review status: criteria provided, single submitter. Criteria: Invitae Variant Classification Sherloc (09022015). Collection method: clinical testing. Allele origin: germline.
Comment: This sequence change replaces alanine, which is neutral and non-polar, with threonine, which is neutral and polar, at codon 199 of the CNNM2 protein (p.Ala199Thr). This variant is not present in population databases (gnomAD no frequency). This variant has not been reported in the literature in individuals affected with CNNM2-related conditions. ClinVar contains an entry for this variant (Variation ID: 1684899). An algorithm developed to predict the effect of missense changes on protein structure and function (PolyPhen-2) suggests that this variant is likely to be tolerated. In summary, the available evidence is currently insufficient to determine the role of this variant in disease. Therefore, it has been classified as a Variant of Uncertain Significance.

Mendelics
Classification: Benign. Last evaluated: 2022-05-04. Review status: criteria provided, single submitter. Criteria: Mendelics Assertion Criteria 2019. Collection method: clinical testing. Allele origin: germline.

NM_017649.5(CNNM2):c.595G>A (p.Ala199Thr)

Gene: CNNM2 (cyclin and CBS domain divalent metal cation transport mediator 2; plus strand). Cytogenetic location: 10q24.32.
Variant type: single nucleotide variant.
Coding change: c.595G>A on transcript NM_017649.5 (MANE Select); coding-DNA position 595, G replaced by A.
Protein change: p.Ala199Thr; replaces alanine 199 with threonine.
Molecular consequence: missense variant.
Genome position (GRCh38, 1-based): chr10:102,919,075, G>A. VCF-style: chr10-102919075-G-A. GRCh37 (hg19) VCF-style: chr10-104678832-G-A.
Other names: c.595G>A, p.Ala199Thr (NM_199076.3, NM_199077.3); short protein forms A199T.
Identifiers: ClinVar variation 1684899 (VCV001684899.6), dbSNP rs984170802, ClinGen allele CA212303967.
Genomic context (GRCh38, chr10:102,919,075, plus strand): 5'-CCGCTACGCAAGATGGAGAAGAGCAAGTCCTATTACCTGTGCACGTCGCTCTCCACGCCC[G>A]CCCTGGGCGCCGGCGGCTCGGGGTCCACGGGTGGCGCCGTCGGGGGCAAGGGTGGCTCGG-3'
Protein context (NP_060119.3, residues 189-209): YYLCTSLSTP[Ala199Thr]LGAGGSGSTG